The following is an entry in ClinVar:

ClinVar aggregate classification (germline): Likely pathogenic (1 of 4 stars; one submission).

Conditions:
Hereditary spastic paraplegia 75. Also called: Spastic paraplegia 75, autosomal recessive. Identifiers: Orphanet 459056, MedGen C4225250, MONDO:0014729, OMIM 616680.

Submission:

Labcorp Genetics (formerly Invitae), Labcorp
Classification: Likely pathogenic for Hereditary spastic paraplegia 75. Last evaluated: 2024-03-02. Review status: criteria provided, single submitter. Criteria: Invitae Variant Classification Sherloc (09022015). Collection method: clinical testing. Allele origin: germline.
Comment: This variant results in the deletion of part of exon 8 (c.1232-3_1240del) of the MAG gene. It is expected to disrupt RNA splicing. Variants that disrupt the donor or acceptor splice site typically lead to a loss of protein function (PMID: 16199547), and loss-of-function variants in MAG are known to be pathogenic (PMID: 32629324). This variant is not present in population databases (gnomAD no frequency). This variant has not been reported in the literature in individuals affected with MAG-related conditions. In summary, the currently available evidence indicates that the variant is pathogenic, but additional data are needed to prove that conclusively. Therefore, this variant has been classified as Likely Pathogenic.

Literature cited by the submitters: PubMed 16199547; PubMed 32629324.

NM_002361.4(MAG):c.1232-3_1240del

Gene: MAG (myelin associated glycoprotein; plus strand). Cytogenetic location: 19q13.12.
Variant type: Deletion.
Coding change: c.1232-3_1240del on transcript NM_002361.4 (MANE Select); 3 bases into the intron before coding-DNA position 1232 through coding-DNA position 1240, 12 bases deleted (CAGTCGCCCCTG).
Molecular consequence: splice acceptor variant.
Genome position (GRCh38, 1-based): chr19:35,309,871-35,309,882, CAGTCGCCCCTG deleted; deleting any 12 consecutive bases within chr19:35,309,864-35,309,882 gives the same sequence; the c. name uses the placement nearest the transcript's 3' end. VCF-style (leftmost placement, unchanged base first): chr19-35309863-TGCCCCTGCAGTC-T. GRCh37 (hg19) VCF-style: chr19-35800766-TGCCCCTGCAGTC-T.
Other names: c.1232-3_1240del (NM_080600.3); c.1157-3_1165del (NM_001199216.2).
Identifiers: ClinVar variation 3644099 (VCV003644099.2).
Genomic context (GRCh38, chr19:35,309,863, plus strand): 5'-GCCAAGGAGTCTCCGGGGCCGGGCCTCGCGTTGGCTCCGGGCCACCCTCAGACCTGATTT[TGCCCCTGCAGTC>T]GCCCCTGTGCTCCTCCTGGAGTCCCACTGCGCGGCAGCCCGAGACACGGTGCAGTGCCTG-3'